The following is an entry in ClinVar:

NM_175914.5(HNF4A):c.1223_1224del (p.Pro408fs)

Gene: HNF4A (hepatocyte nuclear factor 4 alpha; plus strand). Cytogenetic location: 20q13.12.
Variant type: Deletion.
Coding change: c.1223_1224del on transcript NM_175914.5 (MANE Select); coding-DNA positions 1223 to 1224, 2 bases deleted (CT; older notation c.1223_1224delCT).
Protein change: p.Pro408fs; shifts the reading frame from proline 408.
Molecular consequence: frameshift variant.
Genome position (GRCh38, 1-based): chr20:44,429,529-44,429,530, CT deleted. VCF-style (leftmost placement, unchanged base first): chr20-44429528-CCT-C. GRCh37 (hg19) VCF-style: chr20-43058168-CCT-C.
Other names: c.1289_1290del, p.Pro430fs (NM_000457.6); c.1193_1194del, p.Pro398fs (NM_001030003.3); c.1268_1269del, p.Pro423fs (NM_001258355.2); c.1184_1185del, p.Pro395fs (NM_001287182.2); c.1214_1215del, p.Pro405fs (NM_001287183.2); c.1259_1260del, p.Pro420fs (NM_178849.3); short protein forms P395fs, P408fs, P420fs, P423fs, P430fs, P398fs, P405fs.
Identifiers: ClinVar variation 3729040 (VCV003729040.2).

ClinVar aggregate classification (germline): Pathogenic (1 of 4 stars; one submission).

Submission:

Labcorp Genetics (formerly Invitae), Labcorp
Classification: Pathogenic. Last evaluated: 2025-01-15. Review status: criteria provided, single submitter. Criteria: Invitae Variant Classification Sherloc (09022015). Collection method: clinical testing. Allele origin: germline.
Comment: This sequence change creates a premature translational stop signal (p.Pro408Argfs*14) in the HNF4A gene. While this is not anticipated to result in nonsense mediated decay, it is expected to disrupt the last 45 amino acid(s) of the HNF4A protein. This variant is not present in population databases (gnomAD no frequency). This variant has not been reported in the literature in individuals affected with HNF4A-related conditions. Experimental studies and prediction algorithms are not available or were not evaluated, and the functional significance of this variant is currently unknown. This variant disrupts a region of the HNF4A protein in which other variant(s) (p.Ser419*) have been determined to be pathogenic (PMID: 24323243). This suggests that this is a clinically significant region of the protein, and that variants that disrupt it are likely to be disease-causing. For these reasons, this variant has been classified as Pathogenic.

Literature cited by the submitters: PubMed 24323243.